The following is an entry in ClinVar:

NM_007294.4(BRCA1):c.5407-3C>G

Gene: BRCA1 (BRCA1 DNA repair associated; minus strand). Cytogenetic location: 17q21.31.
Variant type: single nucleotide variant.
Coding change: c.5407-3C>G on transcript NM_007294.4 (MANE Select); 3 bases into the intron before coding-DNA position 5407, C replaced by G.
Molecular consequence: intron variant.
Genome position (GRCh38, 1-based): chr17:43,047,706, G>C on the plus strand (C>G on the coding strand, the complement: BRCA1 is on the minus strand). VCF-style: chr17-43047706-G-C. GRCh37 (hg19) VCF-style: chr17-41199723-G-C.
Other names: c.5398-3C>G (NM_001407644.1, NM_001407645.1); c.5401-3C>G (NM_001407627.1, NM_001407635.1, NM_001407640.1 and 13 more transcripts); c.5327-3C>G (NM_001407861.1); c.5404-3C>G (NM_001407614.1, NM_001407626.1, NM_001407617.1 and 14 more transcripts); c.5470-3C>G (NM_001407587.1, NM_001407585.1, NM_007300.4 and 1 more transcripts); c.1858-3C>G (NM_001408494.1); c.1972-3C>G (NM_001408444.1, NM_001408438.1, NM_001408432.1 and 10 more transcripts); c.1975-3C>G (NM_001408430.1, NM_001408427.1, NM_001408431.1 and 4 more transcripts); and 83 more.
Identifiers: ClinVar variation 865742 (VCV000865742.3), dbSNP rs2050996293, ClinGen allele CA916080775.

Conditions:
Breast-ovarian cancer, familial, susceptibility to, 1 (BROVCA1). Also called: BRCA1 Hereditary Breast and Ovarian Cancer; OVARIAN CANCER, SUSCEPTIBILITY TO. Identifiers: Orphanet 145, MedGen C2676676, MONDO:0011450, OMIM 604370. Disease mechanism: loss of function.

Submission:

Brotman Baty Institute, University of Washington
No classification provided (evidence only). Condition: Breast-ovarian cancer, familial 1. Review status: no classification provided. Collection method: in vitro. Allele origin: not applicable. Functional consequence: functionally_abnormal.
ClinVar note: "not provided" was previously submitted as the classification for the variant. However, the classification appeared to be based only on an observation of functional data so it was converted to no classification on 2025-07-30.